The following is an entry in ClinVar:

ClinVar aggregate classification (germline): Uncertain significance. Review status: criteria provided, multiple submitters, no conflicts (2 of 4 stars). 2 submissions from 2 submitters: Uncertain significance (2). Last evaluated 2024-10-02.

Submissions (2):

Blueprint Genetics
Classification: Uncertain significance. Last evaluated: 2024-10-02. Review status: criteria provided, single submitter. Criteria: ACMG Guidelines, 2015. Collection method: clinical testing. Allele origin: germline.

Labcorp Genetics (formerly Invitae), Labcorp
Classification: Uncertain significance. Last evaluated: 2023-12-09. Review status: criteria provided, single submitter. Criteria: Invitae Variant Classification Sherloc (09022015). Collection method: clinical testing. Allele origin: germline.
Comment: This sequence change replaces isoleucine, which is neutral and non-polar, with valine, which is neutral and non-polar, at codon 982 of the COL2A1 protein (p.Ile982Val). This variant is not present in population databases (gnomAD no frequency). This variant has not been reported in the literature in individuals affected with COL2A1-related conditions. Advanced modeling of protein sequence and biophysical properties (such as structural, functional, and spatial information, amino acid conservation, physicochemical variation, residue mobility, and thermodynamic stability) performed at Invitae indicates that this missense variant is not expected to disrupt COL2A1 protein function with a negative predictive value of 95%. In summary, the available evidence is currently insufficient to determine the role of this variant in disease. Therefore, it has been classified as a Variant of Uncertain Significance.

NM_001844.5(COL2A1):c.2944A>G (p.Ile982Val)

Gene: COL2A1 (collagen type II alpha 1 chain; minus strand). Cytogenetic location: 12q13.11.
Variant type: single nucleotide variant.
Coding change: c.2944A>G on transcript NM_001844.5 (MANE Select); coding-DNA position 2944, A replaced by G.
Protein change: p.Ile982Val; replaces isoleucine 982 with valine.
Molecular consequence: missense variant.
Genome position (GRCh38, 1-based): chr12:47,978,350, T>C on the plus strand (A>G on the coding strand, the complement: COL2A1 is on the minus strand). VCF-style: chr12-47978350-T-C. GRCh37 (hg19) VCF-style: chr12-48372133-T-C.
Other names: c.2737A>G, p.Ile913Val (NM_033150.3); short protein forms I982V, I913V.
Identifiers: ClinVar variation 2825889 (VCV002825889.4), dbSNP rs1239633408, ClinGen allele CA384541342.